The following is an entry in ClinVar:

NM_001164508.2(NEB):c.16967C>T (p.Thr5656Ile)

Gene: NEB (nebulin; minus strand). Cytogenetic location: 2q23.3.
Variant type: single nucleotide variant.
Coding change: c.16967C>T on transcript NM_001164508.2 (MANE Select); coding-DNA position 16967, C replaced by T.
Protein change: p.Thr5656Ile; replaces threonine 5656 with isoleucine.
Molecular consequence: missense variant.
Genome position (GRCh38, 1-based): chr2:151,575,741, G>A on the plus strand (C>T on the coding strand, the complement: NEB is on the minus strand). VCF-style: chr2-151575741-G-A. GRCh37 (hg19) VCF-style: chr2-152432255-G-A.
Other names: c.16967C>T, p.Thr5656Ile (NM_001164507.2, NM_001271208.2); c.11864C>T, p.Thr3955Ile (NM_004543.5); short protein forms T3955I, T5656I.
Identifiers: ClinVar variation 656248 (VCV000656248.10), dbSNP rs1353681047, ClinGen allele CA348809462.
Genomic context (GRCh38, chr2:151,575,741, plus strand): 5'-GTTGTAGTACTTACATTGCTCACATTAAGAGCATTTGCTCTAGCGAGATTAATTTCTGGA[G>A]TATCTGGCATTATGTGTATTGAAGTTTTATCCTTGTCCCAAACCTCTCTGTACTTTGGCT-3'
Protein context (NP_001157980.2, residues 5646-5666): DKTSIHIMPD[Thr5656Ile]PEINLARANA

ClinVar aggregate classification (germline): Uncertain significance. Review status: criteria provided, single submitter (1 of 4 stars). 2 submissions from 2 submitters: Uncertain significance (1). 1 of the submissions does not count toward it. Last evaluated 2021-08-30.

Conditions:
Nemaline myopathy 2 (NEM2). Also called: Nemaline myopathy 2, autosomal recessive. Identifiers: MedGen C1850569, MONDO:0009725, OMIM 256030.

Allele frequency attached by ClinVar (database versions not stated): gnomAD exomes below 0.00001 and 0.00001; TOPMed below 0.00001; gnomAD 0.00001.
gnomAD v4.1: 5 of 1,610,888 alleles (0.00031%); highest among the groups gnomAD compares: Non-Finnish European, 0.00042%; no homozygotes.

Submissions (2):

Labcorp Genetics (formerly Invitae), Labcorp
Classification: Uncertain significance for Nemaline myopathy 2. Last evaluated: 2021-08-30. Review status: criteria provided, single submitter. Criteria: Invitae Variant Classification Sherloc (09022015). Collection method: clinical testing. Allele origin: germline.
Comment: This sequence change replaces threonine with isoleucine at codon 5656 of the NEB protein (p.Thr5656Ile). The threonine residue is moderately conserved and there is a moderate physicochemical difference between threonine and isoleucine. This variant is not present in population databases (ExAC no frequency). This variant has not been reported in the literature in individuals affected with NEB-related conditions. Algorithms developed to predict the effect of missense changes on protein structure and function are either unavailable or do not agree on the potential impact of this missense change (SIFT: "Deleterious"; PolyPhen-2: "Not Available"; Align-GVGD: "Class C0"). In summary, the available evidence is currently insufficient to determine the role of this variant in disease. Therefore, it has been classified as a Variant of Uncertain Significance.

Natera, Inc.
Classification: Uncertain significance for Nemaline myopathy type 2. Last evaluated: 2021-04-22. Review status: no assertion criteria provided. Collection method: clinical testing. Allele origin: germline. Not counted in ClinVar's aggregate classification.